The following is an entry in ClinVar:

NM_000432.4(MYL2):c.257T>C (p.Phe86Ser)

Gene: MYL2 (myosin light chain 2; minus strand). Cytogenetic location: 12q24.11.
Variant type: single nucleotide variant.
Coding change: c.257T>C on transcript NM_000432.4 (MANE Select); coding-DNA position 257, T replaced by C.
Protein change: p.Phe86Ser; replaces phenylalanine 86 with serine.
Molecular consequence: missense variant.
Genome position (GRCh38, 1-based): chr12:110,914,203, A>G on the plus strand (T>C on the coding strand, the complement: MYL2 is on the minus strand). VCF-style: chr12-110914203-A-G. GRCh37 (hg19) VCF-style: chr12-111352007-A-G.
Other names: p.F86S:TTT>TCT; short protein forms F86S.
Identifiers: ClinVar variation 181432 (VCV000181432.23), dbSNP rs730880950, ClinGen allele CA009962.

ClinVar aggregate classification (germline): Uncertain significance. Review status: criteria provided, multiple submitters, no conflicts (2 of 4 stars). 7 submissions from 7 submitters: Uncertain significance (7). Last evaluated 2026-01-26.

Conditions:
Cardiovascular phenotype. Identifiers: MedGen CN230736.
Cardiomyopathy (CMYO). Also called: Cardiomyopathies. Identifiers: Orphanet 167848, MedGen C0878544, MONDO:0004994, HP:0001638. Inheritance: Various modes of inheritance.
Hypertrophic cardiomyopathy 10. Also called: MYL2-Related Familial Hypertrophic Cardiomyopathy; CARDIOMYOPATHY, HYPERTROPHIC, MID-LEFT VENTRICULAR CHAMBER TYPE, 2. Identifiers: MedGen C1834460, MONDO:0012112, OMIM 608758.
Hypertrophic cardiomyopathy. Also called: HYPERTROPHIC MYOCARDIOPATHY. Identifiers: Orphanet 217569, MedGen C0007194, MeSH D002312, MONDO:0005045, HP:0001639.

Allele frequency attached by ClinVar (database versions not stated): gnomAD exomes 0.00001 and 0.00002; TOPMed 0.00001; ExAC 0.00001; gnomAD 0.00001.
gnomAD v4.1: 16 of 1,613,448 alleles (0.00099%); highest among the groups gnomAD compares: Admixed American, 0.0017%; no homozygotes.

Submissions (7):

Ambry Genetics
Classification: Uncertain significance for Cardiovascular phenotype. Last evaluated: 2026-01-26. Review status: criteria provided, single submitter. Criteria: Ambry Variant Classification Scheme 2023. Collection method: clinical testing. Allele origin: germline.
Comment: The c.257T>C (p.F86S) alteration is located in exon 4 (coding exon 4) of the MYL2 gene. This alteration results from a T to C substitution at nucleotide position 257, causing the phenylalanine (F) at amino acid position 86 to be replaced by a serine (S). Based on data from gnomAD, the C allele has an overall frequency of 0.002% (6/282862) total alleles studied. The highest observed frequency was 0.004% (5/129184) of European (non-Finnish) alleles. Based on insufficient or conflicting evidence, the clinical significance of this alteration remains unclear.

Labcorp Genetics (formerly Invitae), Labcorp
Classification: Uncertain significance for Hypertrophic cardiomyopathy 10. Last evaluated: 2025-12-16. Review status: criteria provided, single submitter. Criteria: Invitae Variant Classification Sherloc (09022015). Collection method: clinical testing. Allele origin: germline.
Comment: This sequence change replaces phenylalanine, which is neutral and non-polar, with serine, which is neutral and polar, at codon 86 of the MYL2 protein (p.Phe86Ser). This variant is present in population databases (rs730880950, gnomAD 0.004%). This missense change has been observed in individual(s) with hypertrophic cardiomyopathy (PMID: 27532257, 33495597, 37652022). ClinVar contains an entry for this variant (Variation ID: 181432). An algorithm developed to predict the effect of missense changes on protein structure and function (PolyPhen-2) suggests that this variant is likely to be disruptive. In summary, the available evidence is currently insufficient to determine the role of this variant in disease. Therefore, it has been classified as a Variant of Uncertain Significance.

GeneDx
Classification: Uncertain significance. Last evaluated: 2023-12-27. Review status: criteria provided, single submitter. Criteria: GeneDx Variant Classification Process June 2021. Collection method: clinical testing. Allele origin: germline. Affected: yes.
Comment: Identified in two patients from a cohort of patients with hypertrophic cardiomyopathy, dilated cardiomyopathy, or arrhythmogenic right ventricular cardiomyopathy (PMID: 27532257); Not observed at significant frequency in large population cohorts (gnomAD); In silico analysis supports that this missense variant has a deleterious effect on protein structure/function; This variant is associated with the following publications: (PMID: 31589614, 27532257)

All of Us Research Program, National Institutes of Health
Classification: Uncertain significance for Hypertrophic cardiomyopathy. Last evaluated: 2023-12-18. Review status: criteria provided, single submitter. Criteria: ACMG Guidelines, 2015. Collection method: clinical testing. Allele origin: germline. Inheritance: Autosomal dominant inheritance. Observed: 5 variant alleles, 5 heterozygotes.
Comment: This missense variant replaces phenylalanine with serine at codon 86 of the MYL2 protein. Computational prediction suggests that this variant may have deleterious impact on protein structure and function (internally defined REVEL score threshold >= 0.7, PMID: 27666373). Splice site prediction tools suggest that this variant may not impact RNA splicing. To our knowledge, functional studies have not been performed for this variant. This variant has been reported in two individuals affected with hypertrophic cardiomyopathy (PMID: 27532257). This variant has also been identified in 6/282862 chromosomes in the general population by the Genome Aggregation Database (gnomAD). The available evidence is insufficient to determine the role of this variant in disease conclusively. Therefore, this variant is classified as a Variant of Uncertain Significance.

This study involves interpretation of variants in research participants for the purpose of population health screening. Participant phenotype was not available at the time of variant classification. Additional details can be found in publication PMID: 35346344, PMCID: PMC8962531

Clinical Genetics Laboratory, Skane University Hospital Lund
Classification: Uncertain significance. Last evaluated: 2023-05-30. Review status: criteria provided, single submitter. Criteria: ACMG Guidelines, 2015. Collection method: clinical testing. Allele origin: germline. Affected: yes.

Color Diagnostics, LLC DBA Color Health
Classification: Uncertain significance for Cardiomyopathy. Last evaluated: 2023-03-15. Review status: criteria provided, single submitter. Criteria: ACMG Guidelines, 2015. Collection method: clinical testing. Allele origin: germline.
Comment: This missense variant replaces phenylalanine with serine at codon 86 of the MYL2 protein. Computational prediction suggests that this variant may have a deleterious impact on protein structure and function (internally defined REVEL score threshold >= 0.7, PMID: 27666373). To our knowledge, functional studies have not been reported for this variant. This variant has been reported in individuals affected with hypertrophic cardiomyopathy (PMID: 27532257, 33495597). This variant has been identified in 6/282862 chromosomes in the general population by the Genome Aggregation Database (gnomAD). The available evidence is insufficient to determine the role of this variant in disease conclusively. Therefore, this variant is classified as a Variant of Uncertain Significance.

Mendelics
Classification: Uncertain significance. Last evaluated: 2022-05-04. Review status: criteria provided, single submitter. Criteria: Mendelics Assertion Criteria 2019. Collection method: clinical testing. Allele origin: germline.

Literature cited by the submitters: PubMed 27532257 (cited by 3 submitters); PubMed 33495597 (cited by Labcorp Genetics (formerly Invitae), Labcorp and Color Diagnostics, LLC DBA Color Health); PubMed 37652022 (cited by Labcorp Genetics (formerly Invitae), Labcorp).